The following is an entry in ClinVar:

ClinVar aggregate classification (somatic clinical impact): Tier II - Potential (1 of 4 stars; one submission).

Conditions:
Ewing sarcoma (ES). Also called: Ewing's sarcoma; Ewing's tumor; Ewing tumor. Identifiers: Orphanet 2677, Orphanet 319, MedGen C0553580, MONDO:0012817, OMIM 612219, HP:0012254.

Submission:

Institute for Genomic Medicine (IGM) Clinical Laboratory, Nationwide Children's Hospital
Classification: Tier II - Potential for Ewing sarcoma. Assertion type: diagnostic. Clinical significance: supports diagnosis. Last evaluated: 2023-01-09. Review status: criteria provided, single submitter. Criteria: AMP/ASCO/CAP Guidelines, 2017. Collection method: clinical testing. Allele origin: somatic. Affected: yes.
Comment: Variant has Tier II (potential) clinical significance as a diagnostic inclusion criterion in Ewing sarcoma, based on the following evidence: 1) Diagnostic significance based on multiple small studies (Evidence Level C; PMIDs: 25223734, 35079231).

Literature cited by the submitters: PubMed 25223734; PubMed 35079231.

NM_014159.7(SETD2):c.6441_6459del (p.Ser2148fs)

Gene: SETD2 (SET domain containing 2, histone lysine methyltransferase; minus strand). Cytogenetic location: 3p21.31.
Variant type: Deletion.
Coding change: c.6441_6459del on transcript NM_014159.7 (MANE Select); coding-DNA positions 6441 to 6459, 19 bases deleted (ATCACCACTGCCCTATGAC).
Protein change: p.Ser2148fs; shifts the reading frame from serine 2148.
Molecular consequence: frameshift variant. On other transcripts: non-coding transcript variant (1).
Genome position (GRCh38, 1-based): chr3:47,057,325-47,057,343, GTCATAGGGCAGTGGTGAT deleted on the plus strand (ATCACCACTGCCCTATGAC on the coding strand, the reverse complement: SETD2 is on the minus strand); deleting any 19 consecutive bases within chr3:47,057,325-47,057,348 gives the same sequence; the c. name uses the placement nearest the transcript's 3' end. VCF-style (leftmost placement, unchanged base first): chr3-47057324-AGTCATAGGGCAGTGGTGAT-A. GRCh37 (hg19) VCF-style: chr3-47098814-AGTCATAGGGCAGTGGTGAT-A.
Other names: c.6309_6327del, p.Ser2104fs (NM_001349370.3); short protein forms S2104fs, S2148fs.
Identifiers: ClinVar variation 4530253 (VCV004530253.1).